The following is an entry in ClinVar:

ClinVar aggregate classification (germline): Uncertain significance (1 of 4 stars; one submission).

Submission:

Ambry Genetics
Classification: Uncertain significance. Last evaluated: 2026-07-30. Review status: criteria provided, single submitter. Criteria: Ambry Variant Classification Scheme 2023. Collection method: clinical testing. Allele origin: germline.
Comment: The p.A212E variant (also known as c.635C>A), located in coding exon 4 of the ATRIP gene, results from a C to A substitution at nucleotide position 635. The alanine at codon 212 is replaced by glutamic acid, an amino acid with dissimilar properties. This amino acid position is conserved. In addition, this alteration is predicted to be tolerated by in silico analysis. Based on the available evidence, the clinical significance of this variant remains unclear.

NM_130384.3(ATRIP):c.635C>A (p.Ala212Glu)

Genes: ATRIP (ATR interacting protein; plus strand), ATRIP-TREX1 (ATRIP-TREX1 readthrough; plus strand). Cytogenetic location: 3p21.31.
Variant type: single nucleotide variant.
Coding change: c.635C>A on transcript NM_130384.3 (MANE Select); coding-DNA position 635, C replaced by A.
Protein change: p.Ala212Glu; replaces alanine 212 with glutamic acid.
Molecular consequence: missense variant. On other transcripts: non-coding transcript variant (1).
Genome position (GRCh38, 1-based): chr3:48,454,382, C>A. VCF-style: chr3-48454382-C-A. GRCh37 (hg19) VCF-style: chr3-48495782-C-A.
Other names: c.254C>A, p.Ala85Glu (NM_001271022.2); c.356C>A, p.Ala119Glu (NM_001271023.2); c.635C>A, p.Ala212Glu (NM_032166.4); short protein forms A119E, A212E, A85E.
Identifiers: ClinVar variation 5032443 (VCV005032443.1).